The following is an entry in ClinVar:

NM_000170.3(GLDC):c.501G>A (p.Glu167=)

Gene: GLDC (glycine decarboxylase; minus strand). Cytogenetic location: 9p24.1.
Variant type: single nucleotide variant.
Coding change: c.501G>A on transcript NM_000170.3 (MANE Select); coding-DNA position 501, G replaced by A.
Protein change: p.Glu167=; no amino-acid change (glutamic acid 167 retained).
Molecular consequence: synonymous variant.
Genome position (GRCh38, 1-based): chr9:6,610,326, C>T on the plus strand (G>A on the coding strand, the complement: GLDC is on the minus strand). VCF-style: chr9-6610326-C-T. GRCh37 (hg19) VCF-style: chr9-6610326-C-T.
Other names: p.Glu167=.
Identifiers: ClinVar variation 255459 (VCV000255459.25), dbSNP rs35374927, ClinGen allele CA4981109.
Genomic context (GRCh38, chr9:6,610,326, plus strand): 5'-TGTGATGTCACACACCATGGTCTGGTAGTTGAGTAAACTCTCCAGCCTCCCCTGAGACAC[C>T]TCAGGCTGGTATGGAGTATACTGGGTGATCCTGCAAGGGAAACAAAAGGTCTTGTCCAAA-3'
Protein context (NP_000161.2, residues 157-177): WITQYTPYQP[Glu167=]VSQGRLESLL

ClinVar aggregate classification (germline): Benign/Likely benign. Review status: criteria provided, multiple submitters, no conflicts (2 of 4 stars). 11 submissions from 11 submitters: Benign (9); Likely benign (1). 1 of the submissions does not count toward it. Last evaluated 2026-02-04.

Conditions:
Glycine encephalopathy. Also called: Non-ketotic hyperglycinemia; Nonketotic hyperglycinemia. Identifiers: Orphanet 407, MedGen C0751748, MONDO:0011612, HP:0008288.

Allele frequency attached by ClinVar (database versions not stated): 1000 Genomes Project 30x 0.19097; 1000 Genomes Project 0.19209; TOPMed 0.21575; gnomAD 0.22564 and 0.22673; ESP Exome Variant Server 0.23620; gnomAD exomes 0.23770 and 0.27163; ExAC 0.24241.
gnomAD v4.1: 430,050 of 1,612,998 alleles (27%); highest among the groups gnomAD compares: Middle Eastern, 29%; 59,408 homozygotes.

Submissions (11):

Labcorp Genetics (formerly Invitae), Labcorp
Classification: Benign for Glycine encephalopathy. Last evaluated: 2026-02-04. Review status: criteria provided, single submitter. Criteria: Invitae Variant Classification Sherloc (09022015). Collection method: clinical testing. Allele origin: germline.

Blueprint Genetics
Classification: Likely benign. Last evaluated: 2024-11-27. Review status: criteria provided, single submitter. Criteria: ACMG Guidelines, 2015. Collection method: clinical testing. Allele origin: germline.

Mayo Clinic Laboratories, Mayo Clinic
Classification: Benign. Last evaluated: 2021-11-29. Review status: criteria provided, single submitter. Criteria: ACMG Guidelines, 2015. Collection method: clinical testing. Allele origin: germline. Observed: 98 variant alleles.

Fulgent Genetics
Classification: Benign for Glycine encephalopathy 1. Last evaluated: 2021-09-11. Review status: criteria provided, single submitter. Criteria: ACMG Guidelines, 2015. Collection method: clinical testing. Allele origin: unknown.

Genome-Nilou Lab
Classification: Benign for Glycine encephalopathy 1. Last evaluated: 2021-07-10. Review status: criteria provided, single submitter. Criteria: ACMG Guidelines, 2015. Collection method: clinical testing. Allele origin: germline. Affected: no.

GeneDx
Classification: Benign. Last evaluated: 2018-07-15. Review status: criteria provided, single submitter. Criteria: GeneDx Variant Classification Process June 2021. Collection method: clinical testing. Allele origin: germline. Affected: yes.

Illumina Laboratory Services, Illumina
Classification: Benign for Glycine encephalopathy 1. Last evaluated: 2018-01-13. Review status: criteria provided, single submitter. Criteria: ICSL Variant Classification Criteria 13 December 2019. Collection method: clinical testing. Allele origin: germline.
Comment: This variant was observed in the ICSL laboratory as part of a predisposition screen in an ostensibly healthy population. It had not been previously curated by ICSL or reported in the Human Gene Mutation Database (HGMD: prior to June 1st, 2018), and was therefore a candidate for classification through an automated scoring system. Utilizing variant allele frequency, disease prevalence and penetrance estimates, and inheritance mode, an automated score was calculated to assess if this variant is too frequent to cause the disease. Based on the score and internal cut-off values, a variant classified as benign is not then subjected to further curation. The score for this variant resulted in a classification of benign for this disease.

Athena Diagnostics
Classification: Benign. Last evaluated: 2017-04-20. Review status: criteria provided, single submitter. Criteria: Athena Diagnostics Criteria. Collection method: clinical testing. Allele origin: germline.

Breakthrough Genomics
Classification: Benign. Review status: criteria provided, single submitter. Criteria: ACMG Guidelines, 2015. Collection method: not provided. Allele origin: germline. Inheritance: Autosomal recessive inheritance. Affected: yes.

PreventionGenetics, part of Exact Sciences
Classification: Benign. Review status: criteria provided, single submitter. Criteria: ACMG Guidelines, 2015. Collection method: clinical testing. Allele origin: germline.

Natera, Inc.
Classification: Benign for Non-ketotic hyperglycinemia. Last evaluated: 2020-09-16. Review status: no assertion criteria provided. Collection method: clinical testing. Allele origin: germline. Not counted in ClinVar's aggregate classification.